The following is an entry in ClinVar:

NM_012213.3(MLYCD):c.172_493del (p.Glu58fs)

Genes: MLYCD (malonyl-CoA decarboxylase; plus strand), LOC130059555 (ATAC-STARR-seq lymphoblastoid silent region 7770; plus strand), LOC130059554 (ATAC-STARR-seq lymphoblastoid silent region 7769; plus strand). Cytogenetic location: 16q23.3.
Variant type: Deletion.
Coding change: c.172_493del on transcript NM_012213.3 (MANE Select); coding-DNA positions 172 to 493, 322 bases deleted.
Protein change: p.Glu58fs; shifts the reading frame from glutamic acid 58.
Molecular consequence: frameshift variant.
Genome position (GRCh38, 1-based): chr16:83,899,316-83,899,637, 322 bases deleted. GRCh37 (hg19): chr16:83,932,921-83,933,242.
Other names: short protein forms E58fs.
Identifiers: ClinVar variation 2822247 (VCV002822247.3), dbSNP rs2507370766, ClinGen allele CA2739266901.

ClinVar aggregate classification (germline): Pathogenic (1 of 4 stars; one submission).

Conditions:
Deficiency of malonyl-CoA decarboxylase. Also called: Malonic aciduria; MCD deficiency. Identifiers: Orphanet 943, MedGen C0342793, MONDO:0009556, OMIM 248360.

Submission:

Labcorp Genetics (formerly Invitae), Labcorp
Classification: Pathogenic for Deficiency of malonyl-CoA decarboxylase. Last evaluated: 2022-12-19. Review status: criteria provided, single submitter. Criteria: Invitae Variant Classification Sherloc (09022015). Collection method: clinical testing. Allele origin: germline.
Comment: For these reasons, this variant has been classified as Pathogenic. This variant has not been reported in the literature in individuals affected with MLYCD-related conditions. This variant is not present in population databases (gnomAD no frequency). This sequence change creates a premature translational stop signal (p.Glu58Argfs*14) in the MLYCD gene. It is expected to result in an absent or disrupted protein product. Loss-of-function variants in MLYCD are known to be pathogenic (PMID: 12955715, 17186413).

Literature cited by the submitters: PubMed 12955715; PubMed 17186413.